The following is an entry in ClinVar:

ClinVar aggregate classification (germline): Uncertain significance. Review status: criteria provided, multiple submitters, no conflicts (2 of 4 stars). 2 submissions from 2 submitters: Uncertain significance (2). Last evaluated 2026-05-28.

Conditions:
Cardiovascular phenotype. Identifiers: MedGen CN230736.
Progressive familial heart block type IB (PFHB1B). Identifiers: Orphanet 871, MedGen C1970298, MONDO:0011474, OMIM 604559.

gnomAD v4.1: 1 of 1,613,938 alleles (0.000062%); highest among the groups gnomAD compares: Admixed American, 0.0017%; no homozygotes.

Submissions (2):

Ambry Genetics
Classification: Uncertain significance for Cardiovascular phenotype. Last evaluated: 2026-05-28. Review status: criteria provided, single submitter. Criteria: Ambry Variant Classification Scheme 2023. Collection method: clinical testing. Allele origin: germline.
Comment: The p.S481A variant (also known as c.1441T>G), located in coding exon 11 of the TRPM4 gene, results from a T to G substitution at nucleotide position 1441. The serine at codon 481 is replaced by alanine, an amino acid with similar properties. This amino acid position is conserved. In addition, this alteration is predicted to be tolerated by in silico analysis. Based on the available evidence, the clinical significance of this variant remains unclear.

Labcorp Genetics (formerly Invitae), Labcorp
Classification: Uncertain significance for Progressive familial heart block type IB. Last evaluated: 2024-11-04. Review status: criteria provided, single submitter. Criteria: Invitae Variant Classification Sherloc (09022015). Collection method: clinical testing. Allele origin: germline.
Comment: This sequence change replaces serine, which is neutral and polar, with alanine, which is neutral and non-polar, at codon 481 of the TRPM4 protein (p.Ser481Ala). This variant is present in population databases (no rsID available, gnomAD 0.003%). This variant has not been reported in the literature in individuals affected with TRPM4-related conditions. An algorithm developed to predict the effect of missense changes on protein structure and function outputs the following: PolyPhen-2: "Benign". The alanine amino acid residue is found in multiple mammalian species, which suggests that this missense change does not adversely affect protein function. In summary, the available evidence is currently insufficient to determine the role of this variant in disease. Therefore, it has been classified as a Variant of Uncertain Significance.

NM_017636.4(TRPM4):c.1441T>G (p.Ser481Ala)

Gene: TRPM4 (transient receptor potential cation channel subfamily M member 4; plus strand). Cytogenetic location: 19q13.33.
Variant type: single nucleotide variant.
Coding change: c.1441T>G on transcript NM_017636.4 (MANE Select); coding-DNA position 1441, T replaced by G.
Protein change: p.Ser481Ala; replaces serine 481 with alanine.
Molecular consequence: missense variant. On other transcripts: 5 prime UTR variant (1).
Genome position (GRCh38, 1-based): chr19:49,182,755, T>G. VCF-style: chr19-49182755-T-G. GRCh37 (hg19) VCF-style: chr19-49686012-T-G.
Other names: c.1441T>G, p.Ser481Ala (NM_001195227.2); c.1096T>G, p.Ser366Ala (NM_001321281.2); c.-113T>G (NM_001321282.2); c.919T>G, p.Ser307Ala (NM_001321283.2); c.379T>G, p.Ser127Ala (NM_001321285.2); c.1441T>G (NM_017636.3); short protein forms S127A, S481A, S307A, S366A.
Identifiers: ClinVar variation 3715888 (VCV003715888.4).